The following is an entry in ClinVar:

ClinVar aggregate classification (somatic clinical impact): Tier I - Strong (1 of 4 stars; one submission).

Conditions:
Diffuse pediatric-type high-grade glioma, H3-wildtype and IDH-wildtype. Identifiers: MedGen C5669918, MONDO:0858939.

Submission:

Institute for Genomic Medicine (IGM) Clinical Laboratory, Nationwide Children's Hospital
Classification: Tier I - Strong for Diffuse pediatric-type high-grade glioma, H3-wildtype and IDH-wildtype. Assertion type: diagnostic. Clinical significance: supports diagnosis. Last evaluated: 2023-09-25. Review status: criteria provided, single submitter. Criteria: AMP/ASCO/CAP Guidelines, 2017. Collection method: clinical testing. Allele origin: somatic. Affected: yes.
Comment: Variant has Tier I (strong) clinical significance as a diagnostic inclusion criterion in diffuse pediatric-type high-grade glioma, H3-wildtype and IDH-wildtype, based on the following evidence: 1) Documented in one or more cancer databases (e.g., St. Jude Pecan, COSMIC, CIViC, OncoKB). 2) Appears in one or more well-established professional guidelines (e.g., World Health Organization [WHO]; National Comprehensive Cancer Network [NCCN]) as providing diagnostic, prognostic, or therapeutic information. 3) Diagnostic for a specific tumor type/classification based on well-powered studies with expert-level consensus (Evidence Level B; PMIDs: 28966033, 24705251, 29763623, 28912153, 35332262).

Literature cited by the submitters: PubMed 28966033; PubMed 24705251; PubMed 29763623; PubMed 28912153; PubMed 35332262.

NM_005228.5(EGFR):c.1789G>A (p.Ala597Thr)

Gene: EGFR (epidermal growth factor receptor; plus strand). Cytogenetic location: 7p11.2.
Variant type: single nucleotide variant.
Coding change: c.1789G>A on transcript NM_005228.5 (MANE Select); coding-DNA position 1789, G replaced by A.
Protein change: p.Ala597Thr; replaces alanine 597 with threonine.
Molecular consequence: missense variant.
Genome position (GRCh38, 1-based): chr7:55,165,346, G>A. VCF-style: chr7-55165346-G-A. GRCh37 (hg19) VCF-style: chr7-55233039-G-A.
Other names: c.1654G>A, p.Ala552Thr (NM_001346897.2, NM_001346899.2); c.1789G>A, p.Ala597Thr (NM_001346898.2, NM_201282.2, NM_201284.2); c.1630G>A, p.Ala544Thr (NM_001346900.2); c.988G>A, p.Ala330Thr (NM_001346941.2); short protein forms A330T, A544T, A552T, A597T.
Identifiers: ClinVar variation 4530047 (VCV004530047.1).
Genomic context (GRCh38, chr7:55,165,346, plus strand): 5'-GACAACTGTATCCAGTGTGCCCACTACATTGACGGCCCCCACTGCGTCAAGACCTGCCCG[G>A]CAGGAGTCATGGGAGAAAACAACACCCTGGTCTGGAAGTACGCAGACGCCGGCCATGTGT-3'
Protein context (NP_005219.2, residues 587-607): DGPHCVKTCP[Ala597Thr]GVMGENNTLV